The following is an entry in ClinVar:

ClinVar aggregate classification (germline): Uncertain significance (1 of 4 stars; one submission).

Conditions:
Hereditary cancer-predisposing syndrome. Also called: Neoplastic Syndromes, Hereditary; Hereditary neoplastic syndrome; Tumor predisposition; Hereditary Cancer Syndrome. Identifiers: Orphanet 140162, MedGen C0027672, MeSH D009386, MONDO:0015356.

Submission:

Ambry Genetics
Classification: Uncertain significance for Hereditary cancer-predisposing syndrome. Last evaluated: 2022-12-13. Review status: criteria provided, single submitter. Criteria: Ambry Variant Classification Scheme 2023. Collection method: clinical testing. Allele origin: germline.
Comment: The c.1173G>A variant (also known as p.L391L), located in coding exon 5 of the BLM gene, results from a G to A substitution at nucleotide position 1173. This nucleotide substitution does not change the leucine at codon 391. In silico splice site analysis for this alteration is inconclusive. Since supporting evidence is limited at this time, the clinical significance of this alteration remains unclear.

NM_000057.4(BLM):c.1173G>A (p.Leu391=)

Gene: BLM (BLM RecQ like helicase; plus strand). Cytogenetic location: 15q26.1.
Variant type: single nucleotide variant.
Coding change: c.1173G>A on transcript NM_000057.4 (MANE Select); coding-DNA position 1173, G replaced by A.
Protein change: p.Leu391=; no amino-acid change (leucine 391 retained).
Molecular consequence: synonymous variant.
Genome position (GRCh38, 1-based): chr15:90,760,232, G>A. VCF-style: chr15-90760232-G-A. GRCh37 (hg19) VCF-style: chr15-91303462-G-A.
Other names: c.1173G>A, p.Leu391= (NM_001287246.2, NM_001287247.2); c.48G>A, p.Leu16= (NM_001287248.2).
Identifiers: ClinVar variation 2482079 (VCV002482079.2), dbSNP rs2151157414, ClinGen allele CA492158404.